The following is an entry in ClinVar:

NM_006514.4(SCN10A):c.5090T>C (p.Val1697Ala)

Gene: SCN10A (sodium voltage-gated channel alpha subunit 10; minus strand). Cytogenetic location: 3p22.2.
Variant type: single nucleotide variant.
Coding change: c.5090T>C on transcript NM_006514.4 (MANE Select); coding-DNA position 5090, T replaced by C.
Protein change: p.Val1697Ala; replaces valine 1697 with alanine.
Molecular consequence: missense variant.
Genome position (GRCh38, 1-based): chr3:38,698,130, A>G on the plus strand (T>C on the coding strand, the complement: SCN10A is on the minus strand). VCF-style: chr3-38698130-A-G. GRCh37 (hg19) VCF-style: chr3-38739621-A-G.
Other names: c.5087T>C, p.Val1696Ala (NM_001293306.2); c.4796T>C, p.Val1599Ala (NM_001293307.2); short protein forms V1599A, V1696A, V1697A.
Identifiers: ClinVar variation 1745275 (VCV001745275.2), dbSNP rs2470553123, ClinGen allele CA352154598.

ClinVar aggregate classification (germline): Uncertain significance (1 of 4 stars; one submission).

Conditions:
Cardiovascular phenotype. Identifiers: MedGen CN230736.

Submission:

Ambry Genetics
Classification: Uncertain significance for Cardiovascular phenotype. Last evaluated: 2022-03-17. Review status: criteria provided, single submitter. Criteria: Ambry Variant Classification Scheme 2023. Collection method: clinical testing. Allele origin: germline.
Comment: The p.V1697A variant (also known as c.5090T>C), located in coding exon 27 of the SCN10A gene, results from a T to C substitution at nucleotide position 5090. The valine at codon 1697 is replaced by alanine, an amino acid with similar properties. This amino acid position is conserved. In addition, the in silico prediction for this alteration is inconclusive. Since supporting evidence is limited at this time, the clinical significance of this alteration remains unclear.